The following is an entry in ClinVar:

ClinVar aggregate classification (germline): Uncertain significance. Review status: criteria provided, multiple submitters, no conflicts (2 of 4 stars). 3 submissions from 3 submitters: Uncertain significance (3). Last evaluated 2025-12-03.

Conditions:
Hereditary cancer-predisposing syndrome. Also called: Hereditary neoplastic syndrome; Tumor predisposition; Neoplastic Syndromes, Hereditary; Hereditary Cancer Syndrome. Identifiers: Orphanet 140162, MedGen C0027672, MeSH D009386, MONDO:0015356.
Hereditary nonpolyposis colorectal neoplasms. Identifiers: MedGen C0009405, MeSH D003123.

Allele frequency attached by ClinVar (database versions not stated): ExAC 0.00002.
gnomAD v4.1: 3 of 1,605,132 alleles (0.00019%); highest among the groups gnomAD compares: South Asian, 0.0033%; no homozygotes.

Submissions (3):

Labcorp Genetics (formerly Invitae), Labcorp
Classification: Uncertain significance for Hereditary nonpolyposis colorectal neoplasms. Last evaluated: 2025-12-03. Review status: criteria provided, single submitter. Criteria: Invitae Variant Classification Sherloc (09022015). Collection method: clinical testing. Allele origin: germline.
Comment: This sequence change replaces threonine, which is neutral and polar, with serine, which is neutral and polar, at codon 1085 of the MSH6 protein (p.Thr1085Ser). This variant is present in population databases (rs761724581, gnomAD 0.007%). This variant has not been reported in the literature in individuals affected with MSH6-related conditions. ClinVar contains an entry for this variant (Variation ID: 419599). Invitae Evidence Modeling of protein sequence and biophysical properties (such as structural, functional, and spatial information, amino acid conservation, physicochemical variation, residue mobility, and thermodynamic stability) indicates that this missense variant is not expected to disrupt MSH6 protein function with a negative predictive value of 95%. In summary, the available evidence is currently insufficient to determine the role of this variant in disease. Therefore, it has been classified as a Variant of Uncertain Significance.

Ambry Genetics
Classification: Uncertain significance for Hereditary cancer-predisposing syndrome. Last evaluated: 2025-11-03. Review status: criteria provided, single submitter. Criteria: Ambry Variant Classification Scheme 2023. Collection method: clinical testing. Allele origin: germline.
Comment: The p.T1085S variant (also known as c.3254C>G), located in coding exon 5 of the MSH6 gene, results from a C to G substitution at nucleotide position 3254. The threonine at codon 1085 is replaced by serine, an amino acid with similar properties. This amino acid position is not well conserved in available vertebrate species. In addition, this alteration is predicted to be tolerated by in silico analysis. Since supporting evidence is limited at this time, the clinical significance of this alteration remains unclear.

GeneDx
Classification: Uncertain significance. Last evaluated: 2015-07-31. Review status: criteria provided, single submitter. Criteria: GeneDx Variant Classification (06012015). Collection method: clinical testing. Allele origin: germline. Affected: yes.
Comment: This variant is denoted MSH6 c.3254C>G at the cDNA level, p.Thr1085Ser (T1085S) at the protein level, and results in the change of a Threonine to a Serine (ACC>AGC). This variant has not, to our knowledge, been published in the literature as pathogenic or benign. MSH6 Thr1085Ser was not observed in approximately 6,500 individuals of European and African American ancestry in the NHLBI Exome Sequencing Project, indicating it is not a common benign variant in these populations. Since Threonine and Serine share similar properties, this is considered a conservative amino acid substitution. MSH6 Thr1085Ser occurs at a position that is not conserved and is located in domain V of the MutS domain (Terui 2013). In silico analyses predict that this variant is unlikely to alter protein structure or function. Based on currently available information, it is unclear whether MSH6 Thr1085Ser is pathogenic or benign. We consider it to be a variant of uncertain significance.

NM_000179.3(MSH6):c.3254C>G (p.Thr1085Ser)

Gene: MSH6 (mutS homolog 6; plus strand). Cytogenetic location: 2p16.3.
Variant type: single nucleotide variant.
Coding change: c.3254C>G on transcript NM_000179.3 (MANE Select); coding-DNA position 3254, C replaced by G.
Protein change: p.Thr1085Ser; replaces threonine 1085 with serine.
Molecular consequence: missense variant.
Genome position (GRCh38, 1-based): chr2:47,803,501, C>G. VCF-style: chr2-47803501-C-G. GRCh37 (hg19) VCF-style: chr2-48030640-C-G.
Other names: c.2864C>G, p.Thr955Ser (NM_001281492.2); c.2348C>G, p.Thr783Ser (NM_001281493.2, NM_001281494.2); short protein forms T1085S, T955S, T783S.
Identifiers: ClinVar variation 419599 (VCV000419599.17), dbSNP rs761724581, ClinGen allele CA070494.
Genomic context (GRCh38, chr2:47,803,501, plus strand): 5'-ACTATAGTCGAGGGGGTGATGGTCCTATGTGTCGCCCAGTAATTCTGTTGCCGGAAGATA[C>G]CCCCCCCTTCTTAGAGCTTAAAGGATCACGCCATCCTTGCATTACGAAGACTTTTTTTGG-3'
Protein context (NP_000170.1, residues 1075-1095): CRPVILLPED[Thr1085Ser]PPFLELKGSR